The following is an entry in ClinVar:

ClinVar aggregate classification (germline): Likely benign. Review status: criteria provided, multiple submitters, no conflicts (2 of 4 stars). 3 submissions from 3 submitters: Likely benign (3). Last evaluated 2026-06-01.

Conditions:
COL18A1-related disorder. Also called: COL18A1-related disorders; COL18A1-related condition.

Allele frequency attached by ClinVar (database versions not stated): ExAC 0.00007; 1000 Genomes Project 30x 0.00016; gnomAD 0.00024; gnomAD exomes 0.00016; 1000 Genomes Project 0.00020; TOPMed 0.00025.
gnomAD v4.1: 263 of 1,537,898 alleles (0.017%); highest among the groups gnomAD compares: Admixed American, 0.17%; no homozygotes.

Submissions (3):

CeGaT Center for Human Genetics Tuebingen
Classification: Likely benign. Last evaluated: 2026-06-01. Review status: criteria provided, single submitter. Criteria: CeGaT Center For Human Genetics Tuebingen Variant Classification Criteria Version 2. Collection method: clinical testing. Allele origin: germline. Affected: yes. Observed: 2 variant alleles.
Comment: COL18A1: BP4, BP7

PreventionGenetics, part of Exact Sciences
Classification: Likely benign for COL18A1-related condition. Last evaluated: 2025-02-11. Review status: criteria provided, single submitter. Criteria: ACMG Guidelines, 2015. Collection method: clinical testing. Allele origin: germline.
Comment: This variant is classified as likely benign based on ACMG/AMP sequence variant interpretation guidelines (Richards et al. 2015 PMID: 25741868, with internal and published modifications).

Blueprint Genetics
Classification: Likely benign. Last evaluated: 2024-08-27. Review status: criteria provided, single submitter. Criteria: ACMG Guidelines, 2015. Collection method: clinical testing. Allele origin: germline.

NM_001379500.1(COL18A1):c.107-11608C>T

Gene: COL18A1 (collagen type XVIII alpha 1 chain; plus strand). Cytogenetic location: 21q22.3.
Variant type: single nucleotide variant.
Coding change: c.107-11608C>T on transcript NM_001379500.1 (MANE Select); 11608 bases into the intron before coding-DNA position 107, C replaced by T.
Molecular consequence: intron variant. On other transcripts: synonymous variant (1).
Genome position (GRCh38, 1-based): chr21:45,456,634, C>T. VCF-style: chr21-45456634-C-T. GRCh37 (hg19) VCF-style: chr21-46876548-C-T.
Other names: c.1104C>T, p.Ala368= (NM_130444.3); c.646+458C>T (NM_030582.4); c.1104C>T (NM_130444.2).
Identifiers: ClinVar variation 2652792 (VCV002652792.26), dbSNP rs573085907, ClinGen allele CA10065624.